The following is an entry in ClinVar:

ClinVar aggregate classification (germline): Uncertain significance (1 of 4 stars; one submission).

Submission:

Labcorp Genetics (formerly Invitae), Labcorp
Classification: Uncertain significance. Last evaluated: 2018-03-29. Review status: criteria provided, single submitter. Criteria: Invitae Variant Classification Sherloc (09022015). Collection method: clinical testing. Allele origin: germline.
Comment: This variant is a gross duplication of the genomic region encompassing exon 34 of the TENM4 gene. The 5' boundary is likely confined to intron 33. The 3' end of this event is unknown as it extends beyond the assayed region for this gene and therefore may encompass additional genes. The exact location of this variant in the genome is unknown. This duplication has not been reported in the literature in individuals with TENM4-related disease. In summary, the available evidence is currently insufficient to determine the role of this variant in disease. Therefore, it has been classified as a Variant of Uncertain Significance.

NC_000011.9:g.(?_78239888)_(78369861_?)dup

Genes: NARS2 (asparaginyl-tRNA synthetase 2, mitochondrial; minus strand), TENM4 (teneurin transmembrane protein 4; minus strand). Cytogenetic location: 11q14.1.
Variant type: Duplication.
Identifiers: ClinVar variation 1035534 (VCV001035534.1).